The following is an entry in ClinVar:

ClinVar aggregate classification (germline): Pathogenic (1 of 4 stars; one submission).

Conditions:
Neurofibromatosis, type 2 (SWNV). Also called: SCHWANNOMATOSIS, VESTIBULAR; BILATERAL ACOUSTIC NEUROFIBROMATOSIS; NF2-Related Schwannomatosis. Identifiers: Orphanet 637, MedGen C0027832, MONDO:0007039, OMIM 101000. Disease mechanism: loss of function.

Submission:

Labcorp Genetics (formerly Invitae), Labcorp
Classification: Pathogenic for Neurofibromatosis, type 2. Last evaluated: 2024-02-26. Review status: criteria provided, single submitter. Criteria: Invitae Variant Classification Sherloc (09022015). Collection method: clinical testing. Allele origin: germline.
Comment: This sequence change affects a donor splice site in intron 15 of the NF2 gene. RNA analysis indicates that disruption of this splice site induces altered splicing and likely disrupts the C-terminus of the protein. This variant is not present in population databases (gnomAD no frequency). Disruption of this splice site has been observed in individuals with neurofibromatosis type 2 (PMID: 16983642). Variants that disrupt the consensus splice site are a relatively common cause of aberrant splicing (PMID: 17576681, 9536098). Studies have shown that disruption of this splice site results in skipping of exon 15 and introduces a new termination codon (Invitae). However the mRNA is not expected to undergo nonsense-mediated decay. For these reasons, this variant has been classified as Pathogenic.

Literature cited by the submitters: PubMed 16983642; PubMed 17576681; PubMed 9536098.

NM_000268.4(NF2):c.1737+1G>C

Gene: NF2 (NF2, moesin-ezrin-radixin like (MERLIN) tumor suppressor; plus strand). Cytogenetic location: 22q12.2.
Variant type: single nucleotide variant.
Coding change: c.1737+1G>C on transcript NM_000268.4 (MANE Select); the canonical splice donor site of the intron after coding-DNA position 1737, G replaced by C.
Molecular consequence: splice donor variant. On other transcripts: intron variant (3).
Genome position (GRCh38, 1-based): chr22:29,681,602, G>C. VCF-style: chr22-29681602-G-C. GRCh37 (hg19) VCF-style: chr22-30077591-G-C.
Other names: c.1737+1G>C (NM_016418.5, NM_181832.3, NM_001407066.1 and 1 more transcripts); c.1623+1G>C (NM_001407056.1, NM_001407053.1); c.1506+1G>C (NM_001407067.1); c.1203+1G>C (NM_001407065.1); c.1574+3279G>C (NM_001407060.1); c.1602+1G>C (NM_001407059.1, NM_001407057.1); c.448-13150G>C (NM_181833.3); c.1614+1G>C (NM_001407058.1, NM_181829.3, NM_001407054.1); and 4 more.
Identifiers: ClinVar variation 2737033 (VCV002737033.3), dbSNP rs1556003799, ClinGen allele CA411150556.